The following is an entry in ClinVar:

ClinVar aggregate classification (germline): Likely pathogenic (1 of 4 stars; one submission).

Conditions:
Charlevoix-Saguenay spastic ataxia (SACS). Also called: AUTOSOMAL RECESSIVE SPASTIC ATAXIA OF CHARLEVOIX-SAGUENAY; Spastic ataxia of Charlevoix-Saguenay; SPASTIC ATAXIA 6, AUTOSOMAL RECESSIVE. Identifiers: Orphanet 98, MedGen C1849140, MONDO:0010041, OMIM 270550.

Submission:

Natera, Inc.
Classification: Likely pathogenic for Charlevoix-Saguenay type spastic ataxia. Last evaluated: 2025-08-26. Review status: criteria provided, single submitter. Criteria: Natera Variant Classification Schema (03/2026). Collection method: clinical testing. Allele origin: germline.
Comment: The c.21-1G>A variant in SACS is a canonical splice acceptor site variant predicted to affect pre-mRNA splicing, which may result in an abnormal transcript and altered protein product. This variant is expected to result in nonsense mediated decay, truncation, or a dysfunctional protein product. This variant is rare in the general population with a frequency below the threshold expected for the associated phenotype(s). Given the available evidence, this variant is classified as Likely Pathogenic.

NM_014363.6(SACS):c.21-1G>A

Genes: SACS (sacsin molecular chaperone; minus strand), LOC130009366 (ATAC-STARR-seq lymphoblastoid silent region 5172; plus strand). Cytogenetic location: 13q12.12.
Variant type: single nucleotide variant.
Coding change: c.21-1G>A on transcript NM_014363.6 (MANE Select); the canonical splice acceptor site of the intron before coding-DNA position 21, G replaced by A.
Molecular consequence: splice acceptor variant.
Genome position (GRCh38, 1-based): chr13:23,375,270, C>T on the plus strand (G>A on the coding strand, the complement: SACS is on the minus strand). VCF-style: chr13-23375270-C-T. GRCh37 (hg19) VCF-style: chr13-23949409-C-T.
Other names: c.21-1G>A (NM_001437336.1); c.-333-1G>A (NM_001278055.2).
Identifiers: ClinVar variation 4815690 (VCV004815690.1).